The following is an entry in ClinVar:

ClinVar aggregate classification (germline): Uncertain significance (1 of 4 stars; one submission).

Conditions:
Cardiomyopathy (CMYO). Also called: Cardiomyopathies. Identifiers: Orphanet 167848, MedGen C0878544, MONDO:0004994, HP:0001638. Inheritance: Various modes of inheritance.

Submission:

All of Us Research Program, National Institutes of Health
Classification: Uncertain significance for Cardiomyopathy. Last evaluated: 2024-07-20. Review status: criteria provided, single submitter. Criteria: ACMG Guidelines, 2015. Collection method: clinical testing. Allele origin: germline. Inheritance: Autosomal dominant inheritance. Observed: 1 variant allele, 1 heterozygote.
Comment: This variant alters the intron 1 canonical splice donor site of the TNNT2 gene. Splice prediction tools suggest that this variant may disrupt RNA splicing. To our knowledge, functional studies have not been reported for this variant. This variant has not been reported in individuals affected with TNNT2-related disorders in the literature. This variant has not been identified in the general population by the Genome Aggregation Database (gnomAD). The role of loss-of-function TNNT2 truncation and splice variants in autosomal dominant cardiovascular disorders is not clearly established. The available evidence is insufficient to determine the role of this variant in disease conclusively. Therefore, this variant is classified as a Variant of Uncertain Significance.

This study involves interpretation of variants in research participants for the purpose of population health screening. Participant phenotype was not available at the time of variant classification. Additional details can be found in publication PMID: 35346344, PMCID: PMC8962531

NM_001276345.2(TNNT2):c.41+1G>A

Gene: TNNT2 (troponin T2, cardiac type; minus strand). Cytogenetic location: 1q32.1.
Variant type: single nucleotide variant.
Coding change: c.41+1G>A on transcript NM_001276345.2 (MANE Select); the canonical splice donor site of the intron after coding-DNA position 41, G replaced by A.
Molecular consequence: splice donor variant.
Genome position (GRCh38, 1-based): chr1:201,373,213, C>T on the plus strand (G>A on the coding strand, the complement: TNNT2 is on the minus strand). VCF-style: chr1-201373213-C-T. GRCh37 (hg19) VCF-style: chr1-201342341-C-T.
Other names: c.41+1G>A (NM_001406727.1, NM_001406724.1, NM_001001432.3 and 9 more transcripts).
Identifiers: ClinVar variation 3386122 (VCV003386122.1).